The following is an entry in ClinVar:

ClinVar aggregate classification (germline): Uncertain significance (1 of 4 stars; one submission).

Conditions:
Developmental and epileptic encephalopathy, 2 (DEE2). Also called: INFANTILE SPASM SYNDROME, X-LINKED 2; CDKL5 deficiency disorder. Identifiers: Orphanet 1934, Orphanet 3451, Orphanet 505652, MedGen C4750718, MONDO:0010396, OMIM 300672.

Submission:

3billion
Classification: Uncertain significance for Developmental and epileptic encephalopathy, 2. Last evaluated: 2024-12-31. Review status: criteria provided, single submitter. Criteria: ACMG Guidelines, 2015. Collection method: clinical testing. Allele origin: germline. Affected: yes.
Comment: The variant is not observed in the gnomAD v4.1.0 dataset. Predicted Consequence/Location: Missense variant In silico tool predictions suggest damaging effect of the variant on gene or gene product [3Cnet: 0.99 (>=0.6, sensitivity 0.72 and precision 0.9)]. A different missense change at the same codon (p.Ile223Ser) has been reported to be associated with CDKL5-related disorder (PMID: 22872100). However, the evidence of pathogenicity is insufficient at this time. Therefore, this variant is classified as VUS according to the recommendation of ACMG/AMP guideline.

Literature cited by the submitters: PubMed 22872100.

NM_001323289.2(CDKL5):c.668T>C (p.Ile223Thr)

Gene: CDKL5 (cyclin dependent kinase like 5; plus strand). Cytogenetic location: Xp22.13.
Variant type: single nucleotide variant.
Coding change: c.668T>C on transcript NM_001323289.2 (MANE Select); coding-DNA position 668, T replaced by C.
Protein change: p.Ile223Thr; replaces isoleucine 223 with threonine.
Molecular consequence: missense variant.
Genome position (GRCh38, 1-based): chrX:18,588,067, T>C. VCF-style: chrX-18588067-T-C. GRCh37 (hg19) VCF-style: chrX-18606187-T-C.
Other names: c.668T>C, p.Ile223Thr (NM_001037343.2, NM_003159.3); short protein forms I223T.
Identifiers: ClinVar variation 4293591 (VCV004293591.1).